The following is an entry in ClinVar:

ClinVar aggregate classification (germline): Conflicting classifications of pathogenicity. Review status: criteria provided, conflicting classifications (1 of 4 stars). 4 submissions from 4 submitters: Uncertain significance (3); Likely benign (1). Last evaluated 2025-11-02.

Conditions:
Inborn genetic diseases. Identifiers: MedGen C0950123, MeSH D030342.
Bartter disease type 4A. Also called: BARTTER SYNDROME, NEONATAL, WITH SENSORINEURAL DEAFNESS; BARTTER SYNDROME, TYPE 4A, NEONATAL, WITH SENSORINEURAL DEAFNESS. Identifiers: Orphanet 112, MedGen C1865270, MONDO:0011242, OMIM 602522.

Allele frequency attached by ClinVar (database versions not stated): TOPMed 0.00007; gnomAD exomes 0.00011 and 0.00021; ESP Exome Variant Server 0.00015; ExAC 0.00027; 1000 Genomes Project 30x 0.00062; 1000 Genomes Project 0.00080.

Submissions (4):

Ambry Genetics
Classification: Likely benign for Inborn genetic diseases. Last evaluated: 2025-11-02. Review status: criteria provided, single submitter. Criteria: Ambry Variant Classification Scheme 2023. Collection method: clinical testing. Allele origin: germline.

Labcorp Genetics (formerly Invitae), Labcorp
Classification: Uncertain significance. Last evaluated: 2025-04-21. Review status: criteria provided, single submitter. Criteria: Invitae Variant Classification Sherloc (09022015). Collection method: clinical testing. Allele origin: germline.
Comment: This sequence change replaces asparagine, which is neutral and polar, with serine, which is neutral and polar, at codon 212 of the BSND protein (p.Asn212Ser). This variant is present in population databases (rs200071888, gnomAD 0.1%). This variant has not been reported in the literature in individuals affected with BSND-related conditions. ClinVar contains an entry for this variant (Variation ID: 875268). Invitae Evidence Modeling of protein sequence and biophysical properties (such as structural, functional, and spatial information, amino acid conservation, physicochemical variation, residue mobility, and thermodynamic stability) indicates that this missense variant is not expected to disrupt BSND protein function with a negative predictive value of 80%. In summary, the available evidence is currently insufficient to determine the role of this variant in disease. Therefore, it has been classified as a Variant of Uncertain Significance.

Neuberg Centre For Genomic Medicine, NCGM
Classification: Uncertain significance for Bartter disease type 4A. Last evaluated: 2023-03-01. Review status: criteria provided, single submitter. Criteria: ACMG Guidelines, 2015. Collection method: clinical testing. Allele origin: germline. Inheritance: Autosomal recessive inheritance. Affected: yes.
Comment: The missense c.635A>G (p.Asn212Ser) variant in BSND gene has not been reported previously as a pathogenic variant nor as a benign variant, to our knowledge. The p.Asn212Ser variant has allele frequency 0.02% in gnomAD Exomes and is novel (not in any individuals) in 1000 Genomes. This variant has been reported to the ClinVar database as Uncertain_significance. The amino acid Asn at position 212 is changed to a Ser changing protein sequence and it might alter its composition and physico-chemical properties. For these reasons, this variant has been classified as Variant of Uncertain Significance (VUS). In the absence of another reportable variant in BSND gene, the molecular diagnosis is not confirmed.

Illumina Laboratory Services, Illumina
Classification: Uncertain significance for Bartter disease type 4A. Last evaluated: 2018-01-13. Review status: criteria provided, single submitter. Criteria: ICSL Variant Classification Criteria 13 December 2019. Collection method: clinical testing. Allele origin: germline.

NM_057176.3(BSND):c.635A>G (p.Asn212Ser)

Gene: BSND (barttin CLCNK type accessory subunit beta; plus strand). Cytogenetic location: 1p32.3.
Variant type: single nucleotide variant.
Coding change: c.635A>G on transcript NM_057176.3 (MANE Select); coding-DNA position 635, A replaced by G.
Protein change: p.Asn212Ser; replaces asparagine 212 with serine.
Molecular consequence: missense variant.
Genome position (GRCh38, 1-based): chr1:55,008,300, A>G. VCF-style: chr1-55008300-A-G. GRCh37 (hg19) VCF-style: chr1-55473973-A-G.
Other names: short protein forms N212S.
Identifiers: ClinVar variation 875268 (VCV000875268.9), dbSNP rs200071888, ClinGen allele CA871389.